The following is an entry in ClinVar:

NM_007294.4(BRCA1):c.2444T>C (p.Ile815Thr)

Gene: BRCA1 (BRCA1 DNA repair associated; minus strand). Cytogenetic location: 17q21.31.
Variant type: single nucleotide variant.
Coding change: c.2444T>C on transcript NM_007294.4 (MANE Select); coding-DNA position 2444, T replaced by C.
Protein change: p.Ile815Thr; replaces isoleucine 815 with threonine.
Molecular consequence: missense variant. On other transcripts: intron variant (137).
Genome position (GRCh38, 1-based): chr17:43,093,087, A>G on the plus strand (T>C on the coding strand, the complement: BRCA1 is on the minus strand). VCF-style: chr17-43093087-A-G. GRCh37 (hg19) VCF-style: chr17-41245104-A-G.
Other names: p.I815T:ATT>ACT; c.2444T>C, p.Ile815Thr (NM_001407854.1, NM_001407858.1, NM_001407859.1 and 30 more transcripts); c.2441T>C, p.Ile814Thr (NM_001407860.1, NM_001407861.1, NM_001407587.1 and 22 more transcripts); c.2243T>C, p.Ile748Thr (NM_001407862.1); c.2321T>C, p.Ile774Thr (NM_001407863.1, NM_001407919.1, NM_001407937.1 and 19 more transcripts); c.2240T>C, p.Ile747Thr (NM_001407874.1, NM_001407875.1); c.2234T>C, p.Ile745Thr (NM_001407879.1, NM_001407881.1, NM_001407882.1 and 13 more transcripts); c.2231T>C, p.Ile744Thr (NM_001407894.1, NM_001407895.1, NM_001407896.1 and 9 more transcripts); and 42 more; short protein forms I815T, I768T, I519T, I647T, I688T, I727T, I767T, I789T.
Identifiers: ClinVar variation 182148 (VCV000182148.10), dbSNP rs730881484, ClinGen allele CA001633.

ClinVar aggregate classification (germline): Conflicting classifications of pathogenicity. Review status: criteria provided, conflicting classifications (1 of 4 stars). 3 submissions from 3 submitters: Uncertain significance (2); Likely benign (1). Last evaluated 2025-07-08.

Conditions:
Hereditary cancer-predisposing syndrome. Also called: Tumor predisposition; Hereditary Cancer Syndrome; Hereditary neoplastic syndrome; Neoplastic Syndromes, Hereditary. Identifiers: Orphanet 140162, MedGen C0027672, MeSH D009386, MONDO:0015356.
Hereditary breast ovarian cancer syndrome. Also called: Breast and ovarian cancer; Hereditary breast and ovarian cancer; Hereditary breast and/or ovarian cancer syndrome; BRCA1- and BRCA2-Associated Hereditary Breast and Ovarian Cancer; Hereditary breast and ovarian cancer syndrome (HBOC); Hereditary breast and ovarian cancer syndrome. Identifiers: Orphanet 145, MedGen C0677776, MeSH D061325, MONDO:0003582. Disease mechanism: loss of function.

Submissions (3):

Labcorp Genetics (formerly Invitae), Labcorp
Classification: Uncertain significance for Hereditary breast ovarian cancer syndrome. Last evaluated: 2025-07-08. Review status: criteria provided, single submitter. Criteria: Invitae Variant Classification Sherloc (09022015). Collection method: clinical testing. Allele origin: germline.
Comment: This sequence change replaces isoleucine, which is neutral and non-polar, with threonine, which is neutral and polar, at codon 815 of the BRCA1 protein (p.Ile815Thr). This variant is not present in population databases (gnomAD no frequency). This variant has not been reported in the literature in individuals affected with BRCA1-related conditions. ClinVar contains an entry for this variant (Variation ID: 182148). Invitae Evidence Modeling of protein sequence and biophysical properties (such as structural, functional, and spatial information, amino acid conservation, physicochemical variation, residue mobility, and thermodynamic stability) indicates that this missense variant is not expected to disrupt BRCA1 protein function with a negative predictive value of 80%. In summary, the available evidence is currently insufficient to determine the role of this variant in disease. Therefore, it has been classified as a Variant of Uncertain Significance.

University of Washington Department of Laboratory Medicine, University of Washington
Classification: Likely benign for Hereditary cancer-predisposing syndrome. Last evaluated: 2023-03-23. Review status: criteria provided, single submitter. Criteria: Dines et al. (Genet Med. 2020). Collection method: curation. Allele origin: germline.
Comment: Missense variant in a coldspot region where missense variants are very unlikely to be pathogenic (PMID:31911673).

BRCA1 coldspot (exon 11 using historical exon numbering). Reclassification based on statistical prior probability

GeneDx
Classification: Uncertain significance. Last evaluated: 2014-10-17. Review status: criteria provided, single submitter. Criteria: GeneDx Variant Classification (06012015). Collection method: clinical testing. Allele origin: germline. Affected: yes.
Comment: This variant is denoted BRCA1 c.2444T>C at the cDNA level, p.Ile815Thr (I815T) at the protein level, and results in the change of an Isoleucine to a Threonine (ATT>ACT). This variant has not, to our knowledge, been published in the literature as pathogenic or benign. BRCA1 Ile815Thr was not observed in approximately 6,500 individuals of European and African American ancestry in the NHLBI Exome Sequencing Project, indicating it is not a common benign variant in these populations. This variant is a non-conservative substitution in which a neutral non-polar amino acid is replaced with a neutral polar one, altering a position that is highly variable throughout evolution and is not located in a known functional domain. In silico analyses predict this variant to have a benign effect on protein structure and function. Based on the currently available information, we consider BRCA1 Ile815Thr to be a variant of uncertain significance.